The following is an entry in ClinVar:

ClinVar aggregate classification (germline): Uncertain significance (1 of 4 stars; one submission).

gnomAD v4.1: 1 of 1,613,870 alleles (0.000062%); no homozygotes.

Submission:

Labcorp Genetics (formerly Invitae), Labcorp
Classification: Uncertain significance. Last evaluated: 2024-12-17. Review status: criteria provided, single submitter. Criteria: Invitae Variant Classification Sherloc (09022015). Collection method: clinical testing. Allele origin: germline.
Comment: This sequence change replaces serine, which is neutral and polar, with arginine, which is basic and polar, at codon 71 of the TBX20 protein (p.Ser71Arg). This variant is not present in population databases (gnomAD no frequency). This variant has not been reported in the literature in individuals affected with TBX20-related conditions. An algorithm developed to predict the effect of missense changes on protein structure and function outputs the following: PolyPhen-2: "Benign". The arginine amino acid residue is found in multiple mammalian species, which suggests that this missense change does not adversely affect protein function. In summary, the available evidence is currently insufficient to determine the role of this variant in disease. Therefore, it has been classified as a Variant of Uncertain Significance.

NM_001077653.2(TBX20):c.211A>C (p.Ser71Arg)

Gene: TBX20 (T-box transcription factor 20; minus strand). Cytogenetic location: 7p14.2.
Variant type: single nucleotide variant.
Coding change: c.211A>C on transcript NM_001077653.2 (MANE Select); coding-DNA position 211, A replaced by C.
Protein change: p.Ser71Arg; replaces serine 71 with arginine.
Molecular consequence: missense variant.
Genome position (GRCh38, 1-based): chr7:35,250,120, T>G on the plus strand (A>C on the coding strand, the complement: TBX20 is on the minus strand). VCF-style: chr7-35250120-T-G. GRCh37 (hg19) VCF-style: chr7-35289732-T-G.
Other names: c.211A>C, p.Ser71Arg (NM_001166220.1); short protein forms S71R.
Identifiers: ClinVar variation 3727481 (VCV003727481.2).
Genomic context (GRCh38, chr7:35,250,120, plus strand): 5'-TGGGGGTGGTGGGGATCAGTGGCTCAGTGCACAGAGAGGAGGAGGACGGGCTGCTGCCAC[T>G]GCCTCCACCAAACTCCCCATGAGCATCCAGGCTGGTCAGCTCACCCAGGGGCTGGGCACA-3'
Protein context (NP_001071121.1, residues 61-81): LDAHGEFGGG[Ser71Arg]GSSPSSSSLC